The following is an entry in ClinVar:

NM_001040142.2(SCN2A):c.599C>G (p.Thr200Ser)

Gene: SCN2A (sodium voltage-gated channel alpha subunit 2; plus strand). Cytogenetic location: 2q24.3.
Variant type: single nucleotide variant.
Coding change: c.599C>G on transcript NM_001040142.2 (MANE Select); coding-DNA position 599, C replaced by G.
Protein change: p.Thr200Ser; replaces threonine 200 with serine.
Molecular consequence: missense variant.
Genome position (GRCh38, 1-based): chr2:165,308,788, C>G. VCF-style: chr2-165308788-C-G. GRCh37 (hg19) VCF-style: chr2-166165298-C-G.
Other names: c.599C>G, p.Thr200Ser (NM_001040143.2, NM_001371246.1, NM_001371247.1 and 1 more transcripts); short protein forms T200S.
Identifiers: ClinVar variation 568298 (VCV000568298.9), dbSNP rs202234412, ClinGen allele CA1939635.
Genomic context (GRCh38, chr2:165,308,788, plus strand): 5'-GTTTAGAAGATTTCACATTTTTACGGGATCCATGGAATTGGTTGGATTTCACAGTCATTA[C>G]TTTTGCGTAAGTATCTTAATACATTTTCTATCCTGGAAGAGTAAATCACTGGTGGGAGCC-3'
Protein context (NP_001035232.1, residues 190-210): PWNWLDFTVI[Thr200Ser]FAYVTEFVDL

ClinVar aggregate classification (germline): Uncertain significance (1 of 4 stars; one submission).

Conditions:
Seizures, benign familial infantile, 3 (BFIS3). Also called: CONVULSIONS, BENIGN FAMILIAL INFANTILE, 3; Familial neonatal seizures. Identifiers: Orphanet 140927, Orphanet 306, MedGen C1843140, MONDO:0011904, OMIM 607745.
Developmental and epileptic encephalopathy, 11 (DEE11). Also called: Early infantile epileptic encephalopathy 11. Identifiers: Orphanet 1934, MedGen C3150987, MONDO:0013388, OMIM 613721.

Allele frequency attached by ClinVar (database versions not stated): TOPMed below 0.00001; ExAC 0.00001; gnomAD 0.00001; gnomAD exomes 0.00001.
gnomAD v4.1: 6 of 1,612,490 alleles (0.00037%); highest among the groups gnomAD compares: Non-Finnish European, 0.00051%; no homozygotes.

Submission:

Labcorp Genetics (formerly Invitae), Labcorp
Classification: Uncertain significance for Seizures, benign familial infantile, 3; Developmental and epileptic encephalopathy, 11. Last evaluated: 2025-02-17. Review status: criteria provided, single submitter. Criteria: Invitae Variant Classification Sherloc (09022015). Collection method: clinical testing. Allele origin: germline.
Comment: This sequence change replaces threonine, which is neutral and polar, with serine, which is neutral and polar, at codon 200 of the SCN2A protein (p.Thr200Ser). This variant is present in population databases (rs202234412, gnomAD 0.003%). This variant has not been reported in the literature in individuals affected with SCN2A-related conditions. ClinVar contains an entry for this variant (Variation ID: 568298). Invitae Evidence Modeling of protein sequence and biophysical properties (such as structural, functional, and spatial information, amino acid conservation, physicochemical variation, residue mobility, and thermodynamic stability) indicates that this missense variant is not expected to disrupt SCN2A protein function with a negative predictive value of 95%. In summary, the available evidence is currently insufficient to determine the role of this variant in disease. Therefore, it has been classified as a Variant of Uncertain Significance.